The following is an entry in ClinVar:

NM_000254.3(MTR):c.1A>G (p.Met1Val)

Gene: MTR (5-methyltetrahydrofolate-homocysteine methyltransferase; plus strand). Cytogenetic location: 1q43.
Variant type: single nucleotide variant.
Coding change: c.1A>G on transcript NM_000254.3 (MANE Select); coding-DNA position 1, A replaced by G.
Protein change: p.Met1Val; changes the start codon (methionine 1).
Molecular consequence: missense variant, initiator codon variant. On other transcripts: 5 prime UTR variant (1).
Genome position (GRCh38, 1-based): chr1:236,795,704, A>G. VCF-style: chr1-236795704-A-G. GRCh37 (hg19) VCF-style: chr1-236959004-A-G.
Other names: c.1A>G, p.Met1Val (NM_001291939.1, NM_001410942.1); c.-1108A>G (NM_001291940.2); short protein forms M1V.
Identifiers: ClinVar variation 5020824 (VCV005020824.1).
Genomic context (GRCh38, chr1:236,795,704, plus strand): 5'-CACCTGTGGAGAGCACGTCTTCTCTGCCGCGCCCTCTGCGCAAGGAGGAGACTCGACAAC[A>G]TGTCACCCGCGCTCCAAGACCTGTCGCAACCCGGTAACGCTGCGACCCCGTCTGCGTGGT-3'
Protein context (NP_000245.2, residues 1-11): [Met1Val]SPALQDLSQP

ClinVar aggregate classification (germline): Uncertain significance (1 of 4 stars; one submission).

Submission:

Dasa
Classification: Uncertain significance. Last evaluated: 2025-10-22. Review status: criteria provided, single submitter. Criteria: DASA Assertion Criteria. Collection method: clinical testing. Allele origin: germline.
Comment: NM_000254.3(MTR):c.1A>G (p.Met1?) is a start-loss variant predicted to alter the translation initiation codon and impair normal protein translation. This variant is rare in population databases. The currently available literature and clinical evidence are not sufficient to establish a definitive association between this variant and the reported condition. Therefore, this variant is classified as a variant of uncertain significance.